The following is an entry in ClinVar:

NM_001429.4(EP300):c.3970dup (p.Arg1324fs)

Gene: EP300 (EP300 lysine acetyltransferase; plus strand). Cytogenetic location: 22q13.2.
Variant type: Duplication.
Coding change: c.3970dup on transcript NM_001429.4 (MANE Select); coding-DNA position 3970, one base duplicated (A; older notation c.3970dupA).
Protein change: p.Arg1324fs; shifts the reading frame from arginine 1324.
Molecular consequence: frameshift variant.
Genome position (GRCh38, 1-based): chr22:41,168,544, A duplicated. VCF-style (leftmost placement, unchanged base first): chr22-41168543-T-TA. GRCh37 (hg19) VCF-style: chr22-41564547-T-TA.
Other names: c.3892dup, p.Arg1298fs (NM_001362843.2); short protein forms R1324fs, R1298fs.
Identifiers: ClinVar variation 4715627 (VCV004715627.1).

ClinVar aggregate classification (germline): Pathogenic (1 of 4 stars; one submission).

Conditions:
Rubinstein-Taybi syndrome due to EP300 haploinsufficiency. Also called: EP300-Related Rubinstein-Taybi Syndrome; RUBINSTEIN-TAYBI SYNDROME 2. Identifiers: Orphanet 353284, Orphanet 783, MedGen C3150941, MONDO:0013364, OMIM 613684.

Submission:

Labcorp Genetics (formerly Invitae), Labcorp
Classification: Pathogenic for Rubinstein-Taybi syndrome due to EP300 haploinsufficiency. Last evaluated: 2025-03-21. Review status: criteria provided, single submitter. Criteria: Invitae Variant Classification Sherloc (09022015). Collection method: clinical testing. Allele origin: germline.
Comment: This sequence change creates a premature translational stop signal (p.Arg1324Lysfs*7) in the EP300 gene. It is expected to result in an absent or disrupted protein product. Loss-of-function variants in EP300 are known to be pathogenic (PMID: 15706485, 24476420). This variant is not present in population databases (gnomAD no frequency). This variant has not been reported in the literature in individuals affected with EP300-related conditions. For these reasons, this variant has been classified as Pathogenic.

Literature cited by the submitters: PubMed 15706485; PubMed 24476420.